The following is an entry in ClinVar:

NM_001492.6(GDF1):c.315C>G (p.Ile105Met)

Genes: CERS1 (ceramide synthase 1; minus strand), GDF1 (growth differentiation factor 1; minus strand). Cytogenetic location: 19p13.11.
Variant type: single nucleotide variant.
Coding change: c.315C>G on transcript NM_001492.6 (MANE Select); coding-DNA position 315, C replaced by G.
Protein change: p.Ile105Met; replaces isoleucine 105 with methionine.
Molecular consequence: missense variant. On other transcripts: 3 prime UTR variant (2).
Genome position (GRCh38, 1-based): chr19:18,869,993, G>C on the plus strand (C>G on the coding strand, the complement: GDF1 is on the minus strand). VCF-style: chr19-18869993-G-C. GRCh37 (hg19) VCF-style: chr19-18980802-G-C.
Other names: c.*584C>G (NM_001387440.1, NM_021267.5); c.315C>G, p.Ile105Met (NM_001387438.1); short protein forms I105M.
Identifiers: ClinVar variation 1369463 (VCV001369463.8), dbSNP rs752344406, ClinGen allele CA306232501.

ClinVar aggregate classification (germline): Uncertain significance (1 of 4 stars; one submission).

Allele frequency attached by ClinVar (database versions not stated): gnomAD exomes below 0.00001.
gnomAD v4.1: 4 of 1,593,550 alleles (0.00025%); highest among the groups gnomAD compares: South Asian, 0.0034%; no homozygotes.

Submission:

Labcorp Genetics (formerly Invitae), Labcorp
Classification: Uncertain significance. Last evaluated: 2020-12-23. Review status: criteria provided, single submitter. Criteria: Invitae Variant Classification Sherloc (09022015). Collection method: clinical testing. Allele origin: germline.
Comment: This variant is not present in population databases (ExAC no frequency). In summary, the available evidence is currently insufficient to determine the role of this variant in disease. Therefore, it has been classified as a Variant of Uncertain Significance. Algorithms developed to predict the effect of missense changes on protein structure and function are either unavailable or do not agree on the potential impact of this missense change (SIFT: "Deleterious"; PolyPhen-2: "Possibly Damaging"; Align-GVGD: "Class C0"). This variant has not been reported in the literature in individuals with GDF1-related conditions. This sequence change replaces isoleucine with methionine at codon 105 of the GDF1 protein (p.Ile105Met). The isoleucine residue is weakly conserved and there is a small physicochemical difference between isoleucine and methionine.